The following is an entry in ClinVar:

ClinVar aggregate classification (germline): Uncertain significance (1 of 4 stars; one submission).

Conditions:
Intellectual developmental disorder, X-linked, syndromic, Raymond type. Also called: Syndromic X-linked intellectual disability Raymond type. Identifiers: MedGen C3275406, MONDO:0010427, OMIM 300799.

Submission:

Labcorp Genetics (formerly Invitae), Labcorp
Classification: Uncertain significance for Intellectual developmental disorder, X-linked, syndromic, Raymond type. Last evaluated: 2026-01-11. Review status: criteria provided, single submitter. Criteria: Invitae Variant Classification Sherloc (09022015). Collection method: clinical testing. Allele origin: germline.
Comment: This sequence change replaces glutamic acid, which is acidic and polar, with glycine, which is neutral and non-polar, at codon 358 of the ZDHHC9 protein (p.Glu358Gly). This variant is not present in population databases (gnomAD no frequency). This variant has not been reported in the literature in individuals affected with ZDHHC9-related conditions. Experimental studies and prediction algorithms are not available or were not evaluated, and the functional significance of this variant is currently unknown. In summary, the available evidence is currently insufficient to determine the role of this variant in disease. Therefore, it has been classified as a Variant of Uncertain Significance.

NM_016032.4(ZDHHC9):c.1073A>G (p.Glu358Gly)

Gene: ZDHHC9 (zDHHC palmitoyltransferase 9; minus strand). Cytogenetic location: Xq26.1.
Variant type: single nucleotide variant.
Coding change: c.1073A>G on transcript NM_016032.4 (MANE Select); coding-DNA position 1073, A replaced by G.
Protein change: p.Glu358Gly; replaces glutamic acid 358 with glycine.
Molecular consequence: missense variant.
Genome position (GRCh38, 1-based): chrX:129,806,392, T>C on the plus strand (A>G on the coding strand, the complement: ZDHHC9 is on the minus strand). VCF-style: chrX-129806392-T-C. GRCh37 (hg19) VCF-style: chrX-128940368-T-C.
Other names: c.1073A>G, p.Glu358Gly (NM_001008222.3); short protein forms E358G.
Identifiers: ClinVar variation 4735090 (VCV004735090.1).